The following is an entry in ClinVar:

ClinVar aggregate classification (germline): Conflicting classifications of pathogenicity. Review status: criteria provided, conflicting classifications (1 of 4 stars). 25 submissions from 24 submitters: Pathogenic (9); Likely pathogenic (12); Uncertain significance (2). 2 of the submissions do not count toward it. Last evaluated 2026-06-30.

Conditions:
Monogenic hearing loss.
Inborn genetic diseases. Identifiers: MedGen C0950123, MeSH D030342.
WFS1-related disorder. Identifiers: MedGen CN379391, MONDO:0700293.
WFS1-Related Spectrum Disorders.
Diabetes mellitus. Also called: Diabetes mellitus (disease). Identifiers: MedGen C0011849, MONDO:0005015, HP:0000819.
Wolfram-like syndrome. Also called: HEARING LOSS, PROGRESSIVE, WITH OPTIC ATROPHY AND/OR IMPAIRED GLUCOSE REGULATION. Identifiers: Orphanet 411590, MedGen C3280358, MONDO:0013673, OMIM 614296.
Type 2 diabetes mellitus. Also called: Type II diabetes mellitus. Identifiers: MedGen C0011860, MeSH D003924, MONDO:0005148, OMIM 125853, HP:0005978.
Wolfram syndrome 1 (WFS1). Identifiers: Orphanet 3463, MedGen C4551693, MONDO:0009101, OMIM 222300.
Cataract 41 (CTRCT41). Also called: CATARACT 41, CONGENITAL NUCLEAR TYPE. Identifiers: Orphanet 91492, Orphanet 98991, Orphanet 98992, Orphanet 98995, MedGen C3805412, MONDO:0007287, OMIM 116400.
Autosomal dominant nonsyndromic hearing loss 6 (LFSNHL). Also called: DEAFNESS, AUTOSOMAL DOMINANT 6; DEAFNESS, AUTOSOMAL DOMINANT 14; DEAFNESS, AUTOSOMAL DOMINANT 38; Autosomal dominant nonsyndromic deafness 6. Identifiers: Orphanet 90635, MedGen C1833021, MONDO:0010963, OMIM 600965.
Optic atrophy. Identifiers: MedGen C0029124, MONDO:0003608, HP:0000648.
Retinal dystrophy. Also called: Inherited retinal dystrophy. Identifiers: Orphanet 71862, MedGen C0854723, MeSH D058499, MONDO:0019118, HP:0000556.
Hearing impairment. Also called: Impaired Hearing. Identifiers: MedGen C1384666, MONDO:0005365, HP:0000365.

Allele frequency attached by ClinVar (database versions not stated): ESP Exome Variant Server 0.00015; 1000 Genomes Project 30x 0.00016; gnomAD 0.00016; TOPMed 0.00016; 1000 Genomes Project 0.00020.
gnomAD v4.1: 488 of 1,613,160 alleles (0.03%); highest among the groups gnomAD compares: Middle Eastern, 0.099%; 1 homozygote.

Submissions 1 to 7 of 25:

Genetics Laboratory, Great Ormond Street Hospital NHS Foundation Trust, North Thames Genomic Laboratory Hub
Classification: Likely pathogenic for Monogenic hearing loss. Last evaluated: 2026-06-30. Review status: criteria provided, single submitter. Criteria: ACGS Best Practice Guidelines for Variant Classification in Rare Disease 2024 v1.2. Collection method: clinical testing. Allele origin: germline. Affected: yes.
Comment: PP3_supporting, PM5_moderate, PM3_strong

Ambry Genetics
Classification: Pathogenic for Inborn genetic diseases. Last evaluated: 2026-04-16. Review status: criteria provided, single submitter. Criteria: Ambry Variant Classification Scheme 2023. Collection method: clinical testing. Allele origin: germline.
Comment: The c.2020G>A (p.G674R) alteration is located in exon 8 (coding exon 7) of the WFS1 gene. This alteration results from a G to A substitution at nucleotide position 2020, causing the glycine (G) at amino acid position 674 to be replaced by an arginine (R). for autosomal recessive Wolfram syndrome; however, it is unlikely to be causative of autosomal dominant Wolfram-like syndrome. Based on data from gnomAD, the A allele has an overall frequency of 0.022% (63/281954) total alleles studied. The highest observed frequency was 0.049% (12/24506) of European (Finnish) alleles. Based on data from gnomAD, the frequency for this variant is above the maximum credible frequency for a disease-causing variant in this gene based on internally established thresholds (Karczewski, 2020; Whiffin, 2017). This variant has been identified in the homozygous state and in conjunction with other variant(s) in this same gene in individual(s) with features consistent with autosomal recessive Wolfram syndrome (sometimes with late onset) and segregated with disease in at least one family (G&oacute;mez-Zaera, 2001; Du, 2023; Wang, 2019; Zhang, 2022). This variant was also detected as homozygous in individual(s) with no reported features of autosomal recessive Wolfram syndrome (Fattahi, 2019; G&oacute;mez-Zaera, 2001). This amino acid position is highly conserved in available vertebrate species. This alteration is predicted to be deleterious by in silico analysis. Based on the available evidence, this alteration is classified as pathogenic.

PreventionGenetics, part of Exact Sciences
Classification: Likely pathogenic for WFS1-related condition. Last evaluated: 2026-03-27. Review status: criteria provided, single submitter. Criteria: ACMG Guidelines, 2015. Collection method: clinical testing. Allele origin: germline.
Comment: The WFS1 c.2020G>A variant is predicted to result in the amino acid substitution p.Gly674Arg. This variant has been reported in the compound heterozygous state in three patients with optic atrophy, two of which had a likely pathogenic truncating variant on the opposite allele (Table S2, Charif et al. 2021. PubMed ID: 33841295), as well as in the compound heterozygous state along with a likely pathogenic frameshift variant in a patient with Wolfram syndrome (Aloi et al. 2012. PubMed ID: 22238590). This variant has also been reported in the homozygous state in a patient with Wolfram syndrome (Galvez-Ruiz et al. 2017. PubMed ID: 29563951), and in the compound heterozygous state along with a potentially pathogenic missense variant in three patients with Wolfram syndrome from two different families (Zhang et al. 2019. PubMed ID: 31391115). This variant has been reported in the heterozygous state along with another potentially pathogenic missense variant in a patient with optic neuropathy (Lin et al. 2021. PubMed ID: 34573359), and a patient with Wolfram syndrome (Matsunaga et al. 2014. PubMed ID: 25211237), although phase was not reported in these individuals. However, this variant has also been reported in the homozygous state in a presumably unaffected individual of unknown age from a population study (Fattahi et al. 2019. PubMed ID: 31343797), and in the homozygous state in an unaffected individual from a family with Wolfram syndrome (Gómez-Zaera et al. 2001. PubMed ID: 11161832). This variant has been reported in the heterozygous state in three siblings with nonsyndromic hearing loss as well as their unaffected father and two other unaffected siblings (Häkli et al. 2014. PubMed ID: 24909696) and in a patient with type 1 diabetes (Table S6, Yu et al. 2019. PubMed ID: 31264968). Additionally, two different substitutions at the same amino acid position (Glu, Val) have been reported to segregate with autosomal dominant low-frequency sensorineural hearing loss in four and eight affected individuals from two different families, respectively (Cryns et al. 2002. PubMed ID: 12073007). This variant is reported in 0.049% of alleles in individuals of European (Finnish) descent in gnomAD. In ClinVar this variant has conflicting interpretations of uncertain (2), likely pathogenic (9) and pathogenic (7). Taken together, we classify this variant as likely pathogenic for autosomal recessive and dominant WFS1-related disease, although penetrance may be incomplete in the homozygous or heterozygous state.

GeneDx
Classification: Pathogenic. Last evaluated: 2026-02-09. Review status: criteria provided, single submitter. Criteria: GeneDx Variant Classification Process June 2021. Collection method: clinical testing. Allele origin: germline. Affected: yes.
Comment: Reported in the heterozygous state in three siblings with moderate non-syndromic hearing loss in the literature, however, the variant did not segregate completely with hearing loss in the family and the pathogenicity was described as unclear (PMID: 24909696); Observed as homozygous in unaffected individuals referred for genetic testing at GeneDx and in published literature (PMID: 31343797, 11161832); In silico analysis supports that this missense variant has a deleterious effect on protein structure/function; This variant is associated with the following publications: (PMID: 23429432, 22238590, 29563951, 27395765, 31264968, 39423307, 11317350, 28802351, 12955714, 12073007, 31391115, 31589614, 34792487, 25211237, 26435059, 33538814, 34573359, 31765440, 11161832, 31850070, 36098976, 34789499, 36208030, 36147510, 31343797, 33841295, 36729443, 37327085, 37974252, 24909696)

Medical and Scientific Branch, Hong Kong Genome Institute
Classification: Pathogenic for Wolfram syndrome 1. Last evaluated: 2026-01-26. Review status: criteria provided, single submitter. Criteria: ACMG Guidelines, 2015. Collection method: clinical testing. Allele origin: unknown. Affected: yes.

Clinical Genomics Laboratory, Washington University in St. Louis
Classification: Likely pathogenic for Wolfram-like syndrome; Wolfram syndrome 1. Last evaluated: 2026-01-04. Review status: criteria provided, single submitter. Criteria: ACMG Guidelines, 2015. Collection method: clinical testing. Allele origin: germline. Affected: yes.
Comment: A WFS1 c.2020G>A (p.Gly674Arg) variant was identified in a heterozygous state. This variant has been reported as compound heterozygous in several individuals affected with Wolfram syndrome (Heredia ML et al., PMID: 23429432; Aloi C et al., PMID: 22238590; Matsunaga K et al., PMID: 25211237; Zhang Y et al., PMID: 31391115; Wang D et al., PMID: 31850070) and is known to segregate with disease in three individuals in a family (Gomez-Zaera M et al., PMID: 11161832). It has also been reported in several individuals affected with hearing loss (Hakli S et al., PMID: 24909696; Cryns K et al., PMID: 12073007; Oza AM et al., PMID: 30311386), as well as in several individuals affected with optic atrophy/ neuropathy (Chen AT et al., PMID: 31765440; Grenier J et al., PMID: 27395765; Galvez-Ruiz A et al., PMID: 29563951). Computational predictors indicate that the variant is damaging, evidence that correlates with impact to WFS1 function. Other variants in the same codon, c.2020G>T (p.Gly674Trp) and c.2021G>A (p. Gly674Glu) have been reported in individuals with Wolfram syndrome and are considered pathogenic (Li J et al., PMID: 34258273, Kobayashi M et al., PMID: 29529044, Fukuoka H et al., PMID: 17492394, ClinVar Variation ID's: 3618121, 2203527). Based on available information and the ACMG/AMP guidelines for variant interpretation (Richards S et al., PMID: 25741868), this variant is classified as likely pathogenic.

CeGaT Center for Human Genetics Tuebingen
Classification: Likely pathogenic. Last evaluated: 2026-01-01. Review status: criteria provided, single submitter. Criteria: CeGaT Center For Human Genetics Tuebingen Variant Classification Criteria Version 2. Collection method: clinical testing. Allele origin: germline. Affected: yes. Observed: 3 variant alleles.
Comment: WFS1: PM1, PM2, PM3, PM5, PP3

NM_006005.3(WFS1):c.2020G>A (p.Gly674Arg)

Gene: WFS1 (wolframin ER transmembrane glycoprotein; plus strand). Cytogenetic location: 4p16.1.
Variant type: single nucleotide variant.
Coding change: c.2020G>A on transcript NM_006005.3 (MANE Select); coding-DNA position 2020, G replaced by A.
Protein change: p.Gly674Arg; replaces glycine 674 with arginine.
Molecular consequence: missense variant.
Genome position (GRCh38, 1-based): chr4:6,301,815, G>A. VCF-style: chr4-6301815-G-A. GRCh37 (hg19) VCF-style: chr4-6303542-G-A.
Other names: p.G674R:GGG>AGG; c.2020G>A, p.Gly674Arg (NM_001145853.1); short protein forms G674R.
Identifiers: ClinVar variation 215394 (VCV000215394.80), dbSNP rs200672755, ClinGen allele CA321852.